The following is an entry in ClinVar:

NM_000435.3(NOTCH3):c.2148C>A (p.Phe716Leu)

Gene: NOTCH3 (notch receptor 3; minus strand). Cytogenetic location: 19p13.12.
Variant type: single nucleotide variant.
Coding change: c.2148C>A on transcript NM_000435.3 (MANE Select); coding-DNA position 2148, C replaced by A.
Protein change: p.Phe716Leu; replaces phenylalanine 716 with leucine.
Molecular consequence: missense variant.
Genome position (GRCh38, 1-based): chr19:15,185,405, G>T on the plus strand (C>A on the coding strand, the complement: NOTCH3 is on the minus strand). VCF-style: chr19-15185405-G-T. GRCh37 (hg19) VCF-style: chr19-15296216-G-T.
Other names: short protein forms F716L.
Identifiers: ClinVar variation 4291780 (VCV004291780.1).

ClinVar aggregate classification (germline): Uncertain significance (1 of 4 stars; one submission).

Conditions:
Cerebral arteriopathy, autosomal dominant, with subcortical infarcts and leukoencephalopathy, type 1 (CADASIL1). Also called: CADASIL 1; CASIL; Cerebral arteriopathy with subcortical infarcts and leukoencephalopathy 1; DEMENTIA, HEREDITARY MULTIINFARCT TYPE. Identifiers: Orphanet 136, MedGen C4551768, MONDO:0000914, OMIM 125310.

Submission:

3billion
Classification: Uncertain significance for Cerebral arteriopathy, autosomal dominant, with subcortical infarcts and leukoencephalopathy, type 1. Last evaluated: 2024-11-13. Review status: criteria provided, single submitter. Criteria: ACMG Guidelines, 2015. Collection method: clinical testing. Allele origin: germline. Affected: yes.
Comment: The variant is not observed in the gnomAD v4.1.0 dataset. Predicted Consequence/Location: Missense variant. Missense changes are a common disease-causing mechanism. In silico tool predictions suggest damaging effect of the variant on gene or gene product [REVEL: 0.75 (>=0.6, sensitivity 0.68 and specificity 0.92)]. Therefore, this variant is classified as VUS according to the recommendation of ACMG/AMP guideline.